The following is an entry in ClinVar:

NM_025137.4(SPG11):c.4274A>G (p.Asn1425Ser)

Genes: SPG11 (SPG11 vesicle trafficking associated, spatacsin; minus strand), LOC130056973 (ATAC-STARR-seq lymphoblastoid active region 9341; plus strand). Cytogenetic location: 15q21.1.
Variant type: single nucleotide variant.
Coding change: c.4274A>G on transcript NM_025137.4 (MANE Select); coding-DNA position 4274, A replaced by G.
Protein change: p.Asn1425Ser; replaces asparagine 1425 with serine.
Molecular consequence: missense variant.
Genome position (GRCh38, 1-based): chr15:44,596,243, T>C on the plus strand (A>G on the coding strand, the complement: SPG11 is on the minus strand). VCF-style: chr15-44596243-T-C. GRCh37 (hg19) VCF-style: chr15-44888441-T-C.
Other names: c.4274A>G, p.Asn1425Ser (NM_001160227.2); short protein forms N1425S.
Identifiers: ClinVar variation 466528 (VCV000466528.12), dbSNP rs142567993, ClinGen allele CA7534716.
Genomic context (GRCh38, chr15:44,596,243, plus strand): 5'-AGAATTTCAAATAAATCGGTCATCTCTTGTTTGCTTCCTTGAAGTTCCTGGGGGCACTTA[T>C]TGCAGACTTGATCGCTGTCCATTTTGGAGGTGGGCACTGAGGGCAAGTTCTCAAAAGCCA-3'
Protein context (NP_079413.3, residues 1415-1435): TSKMDSDQVC[Asn1425Ser]KCPQELQGSK

ClinVar aggregate classification (germline): Conflicting classifications of pathogenicity. Review status: criteria provided, conflicting classifications (1 of 4 stars). 5 submissions from 5 submitters: Uncertain significance (4); Likely benign (1). Last evaluated 2026-08-03.

Conditions:
Hereditary spastic paraplegia 11. Also called: SPASTIC PARAPLEGIA, AUTOSOMAL RECESSIVE, COMPLICATED, WITH THIN CORPUS CALLOSUM; SPASTIC PARAPLEGIA, AUTOSOMAL RECESSIVE, WITH MENTAL IMPAIRMENT AND THIN CORPUS CALLOSUM; Spastic Paraplegia 11; Nakamura Osame syndrome; Autosomal recessive hereditary spastic paraplegia, mental impairment, and thin corpus callosum; Spastic paraplegia, mental retardation and thin corpus callosum. Identifiers: Orphanet 2822, MedGen C1858479, MONDO:0011445, OMIM 604360.
Inborn genetic diseases. Identifiers: MedGen C0950123, MeSH D030342.

Allele frequency attached by ClinVar (database versions not stated): ExAC 0.00002; gnomAD exomes 0.00004 and 0.00012; gnomAD 0.00009; ESP Exome Variant Server 0.00015; TOPMed 0.00015.
gnomAD v4.1: 187 of 1,614,068 alleles (0.012%); highest among the groups gnomAD compares: Non-Finnish European, 0.015%; no homozygotes.

Submissions (5):

GeneDx
Classification: Uncertain significance. Last evaluated: 2026-08-03. Review status: criteria provided, single submitter. Criteria: GeneDx Variant Classification Process June 2021. Collection method: clinical testing. Allele origin: germline.
Comment: Not observed at significant frequency in large population cohorts (gnomAD); In silico analysis suggests that this missense variant does not alter protein structure/function; In silico analysis supports a deleterious effect on splicing; This variant is associated with the following publications: (PMID: 33408077, 33785574)

Ambry Genetics
Classification: Likely benign for Inborn genetic diseases. Last evaluated: 2026-06-12. Review status: criteria provided, single submitter. Criteria: Ambry Variant Classification Scheme 2023. Collection method: clinical testing. Allele origin: germline.

CeGaT Center for Human Genetics Tuebingen
Classification: Uncertain significance. Last evaluated: 2026-04-01. Review status: criteria provided, single submitter. Criteria: CeGaT Center For Human Genetics Tuebingen Variant Classification Criteria Version 2. Collection method: clinical testing. Allele origin: germline. Affected: yes. Observed: 1 variant allele.
Comment: SPG11: PM2, BP4

Women's Health and Genetics/Laboratory Corporation of America, LabCorp
Classification: Uncertain significance. Last evaluated: 2026-01-27. Review status: criteria provided, single submitter. Criteria: LabCorp Variant Classification Summary - May 2015. Collection method: clinical testing. Allele origin: germline.
Comment: Variant summary: SPG11 c.4274A>G (p.Asn1425Ser) results in a conservative amino acid change in the encoded protein sequence. Algorithms developed to predict the effect of missense changes on protein structure and function all suggest that this variant is likely to be tolerated. The variant allele was found at a frequency of 4.4e-05 in 251412 control chromosomes (gnomAD). This frequency is not significantly higher than estimated for disease-causing variants in SPG11, allowing no conclusion about variant significance. c.4274A>G has been observed in one individual affected with Juvenile idiopathic arthritis (Meng_2021). The report does not provide unequivocal conclusions about association of the variant with Hereditary spastic paraplegia 11. To our knowledge, no experimental evidence demonstrating an impact on protein function has been reported. The following publication have been ascertained in the context of this evaluation (PMID: 33408077). ClinVar contains an entry for this variant (Variation ID: 466528). Based on the evidence outlined above, the variant was classified as uncertain significance.

Labcorp Genetics (formerly Invitae), Labcorp
Classification: Uncertain significance for Hereditary spastic paraplegia 11. Last evaluated: 2022-09-19. Review status: criteria provided, single submitter. Criteria: Invitae Variant Classification Sherloc (09022015). Collection method: clinical testing. Allele origin: germline.
Comment: This sequence change replaces asparagine, which is neutral and polar, with serine, which is neutral and polar, at codon 1425 of the SPG11 protein (p.Asn1425Ser). This variant is present in population databases (rs142567993, gnomAD 0.01%). This variant has not been reported in the literature in individuals affected with SPG11-related conditions. ClinVar contains an entry for this variant (Variation ID: 466528). Advanced modeling of protein sequence and biophysical properties (such as structural, functional, and spatial information, amino acid conservation, physicochemical variation, residue mobility, and thermodynamic stability) performed at Invitae indicates that this missense variant is not expected to disrupt SPG11 protein function. Algorithms developed to predict the effect of sequence changes on RNA splicing suggest that this variant may create or strengthen a splice site. In summary, the available evidence is currently insufficient to determine the role of this variant in disease. Therefore, it has been classified as a Variant of Uncertain Significance.

Literature cited by the submitters: PubMed 33408077 (cited by Women's Health and Genetics/Laboratory Corporation of America, LabCorp).